The following is an entry in ClinVar:

ClinVar aggregate classification (germline): Conflicting classifications of pathogenicity. Review status: criteria provided, conflicting classifications (1 of 4 stars). 6 submissions from 6 submitters: Uncertain significance (2); Likely benign (4). Last evaluated 2026-01-17.

Conditions:
NEB-related disorder. Also called: NEB-Related Disorders; NEB-related condition.
Nemaline myopathy 2 (NEM2). Also called: Nemaline myopathy 2, autosomal recessive. Identifiers: MedGen C1850569, MONDO:0009725, OMIM 256030.

Allele frequency attached by ClinVar (database versions not stated): gnomAD 0.00006; gnomAD exomes 0.00008 and 0.00011; ExAC 0.00009; TOPMed 0.00013; 1000 Genomes Project 30x 0.00062; 1000 Genomes Project 0.00100.
gnomAD v4.1: 150 of 1,612,766 alleles (0.0093%); highest among the groups gnomAD compares: African/African-American, 0.059%; 2 homozygotes.

Submissions (6):

Labcorp Genetics (formerly Invitae), Labcorp
Classification: Likely benign for Nemaline myopathy 2. Last evaluated: 2026-01-17. Review status: criteria provided, single submitter. Criteria: Invitae Variant Classification Sherloc (09022015). Collection method: clinical testing. Allele origin: germline.

PreventionGenetics, part of Exact Sciences
Classification: Likely benign for NEB-related condition. Last evaluated: 2025-03-29. Review status: criteria provided, single submitter. Criteria: ACMG Guidelines, 2015. Collection method: clinical testing. Allele origin: germline.
Comment: This variant is classified as likely benign based on ACMG/AMP sequence variant interpretation guidelines (Richards et al. 2015 PMID: 25741868, with internal and published modifications).

Blueprint Genetics
Classification: Likely benign. Last evaluated: 2024-10-21. Review status: criteria provided, single submitter. Criteria: ACMG Guidelines, 2015. Collection method: clinical testing. Allele origin: germline.

Revvity Omics, Revvity
Classification: Uncertain significance. Last evaluated: 2021-12-03. Review status: criteria provided, single submitter. Criteria: ACMG Guidelines, 2015. Collection method: clinical testing. Allele origin: germline.

Women's Health and Genetics/Laboratory Corporation of America, LabCorp
Classification: Likely benign. Last evaluated: 2020-01-31. Review status: criteria provided, single submitter. Criteria: LabCorp Variant Classification Summary - May 2015. Collection method: clinical testing. Allele origin: germline.

Illumina Laboratory Services, Illumina
Classification: Uncertain significance for Nemaline myopathy 2. Last evaluated: 2018-01-13. Review status: criteria provided, single submitter. Criteria: ICSL Variant Classification Criteria 13 December 2019. Collection method: clinical testing. Allele origin: germline.

NM_001164508.2(NEB):c.5301G>A (p.Pro1767=)

Gene: NEB (nebulin; minus strand). Cytogenetic location: 2q23.3.
Variant type: single nucleotide variant.
Coding change: c.5301G>A on transcript NM_001164508.2 (MANE Select); coding-DNA position 5301, G replaced by A.
Protein change: p.Pro1767=; no amino-acid change (proline 1767 retained).
Molecular consequence: synonymous variant.
Genome position (GRCh38, 1-based): chr2:151,664,801, C>T on the plus strand (G>A on the coding strand, the complement: NEB is on the minus strand). VCF-style: chr2-151664801-C-T. GRCh37 (hg19) VCF-style: chr2-152521315-C-T.
Other names: c.5301G>A, p.Pro1767= (NM_001164507.2, NM_001271208.2, NM_004543.5).
Identifiers: ClinVar variation 465612 (VCV000465612.21), dbSNP rs150496369, ClinGen allele CA1910398.